The following is an entry in ClinVar:

ClinVar aggregate classification (germline): Pathogenic (0 of 4 stars; one submission).

Conditions:
Polycystic kidney disease. Also called: Polycystic kidney dysplasia; Kidney, Polycystic. Identifiers: MedGen C0022680, MeSH D007690, MONDO:0020642, HP:0000113.

Submission:

Department of Pathology and Laboratory Medicine, Sinai Health System
Classification: Pathogenic for Polycystic Kidney disease. Review status: no assertion criteria provided. Collection method: clinical testing. Allele origin: unknown. Affected: yes. Study: The Canadian Open Genetics Repository (COGR).
Comment: PKD2, EXON 07, c.1662G>A, p.Trp554X, Heterozygous, Pathogenic The PKD2 p.Trp554X variant was not identified in the literature nor was it identified in the dbSBP, ClinVar, Genesight-COGR, LOVD 3.0, PKD1-LOVD, databases. The variant was identified in ADPKD Mutation Database as definitely Pathogenic. The variant was not identified in the 1000 Genomes Project, the NHLBI GO Exome Sequencing Project or the Exome Aggregation Consortium (August 8th 2016) control databases. The p.Trp554X variant leads to a premature stop codon at position 554, which is predicted to lead to a truncated or absent protein and loss of function. Loss of function variants of the PKD2 gene are an established mechanism of disease in autosomal dominant polycystic kidney disease and is the type of variant expected to cause the disorder. In summary, based on the above information, this variant meets our laboratoryâ€šÃ„Ã´s criteria to be classified as pathogenic.

NM_000297.4(PKD2):c.1662G>A (p.Trp554Ter)

Gene: PKD2 (polycystin 2, transient receptor potential cation channel; plus strand). Cytogenetic location: 4q22.1.
Variant type: single nucleotide variant.
Coding change: c.1662G>A on transcript NM_000297.4 (MANE Select); coding-DNA position 1662, G replaced by A.
Protein change: p.Trp554Ter; replaces tryptophan 554 with a stop codon.
Molecular consequence: nonsense. On other transcripts: non-coding transcript variant (1).
Genome position (GRCh38, 1-based): chr4:88,052,104, G>A. VCF-style: chr4-88052104-G-A. GRCh37 (hg19) VCF-style: chr4-88973256-G-A.
Other names: short protein forms W554*.
Identifiers: ClinVar variation 997214 (VCV000997214.1), dbSNP rs1720126853, ClinGen allele CA357622102.